The following is an entry in ClinVar:

ClinVar aggregate classification (germline): Uncertain significance. Review status: criteria provided, multiple submitters, no conflicts (2 of 4 stars). 4 submissions from 4 submitters: Uncertain significance (4). Last evaluated 2026-06-24.

Conditions:
Inborn genetic diseases. Identifiers: MedGen C0950123, MeSH D030342.
Kleefstra syndrome 2 (KLEFS2). Identifiers: MedGen C4540395, MONDO:0054701, OMIM 617768.

Allele frequency attached by ClinVar (database versions not stated): TOPMed below 0.00001; gnomAD 0.00002.
gnomAD v4.1: 5 of 1,614,070 alleles (0.00031%); highest among the groups gnomAD compares: Admixed American, 0.005%; no homozygotes.

Submissions (4):

Women's Health and Genetics/Laboratory Corporation of America, LabCorp
Classification: Uncertain significance. Last evaluated: 2026-06-24. Review status: criteria provided, single submitter. Criteria: LabCorp Variant Classification Summary - May 2015. Collection method: clinical testing. Allele origin: germline.
Comment: Variant summary: KMT2C c.6835C>A (p.Pro2279Thr) results in a non-conservative amino acid change in the encoded protein sequence. Algorithms developed to predict the effect of missense changes on protein structure and function are either unavailable or do not agree on the potential impact of this missense change. The variant allele was found at a frequency of 3.1e-06 in 1614070 control chromosomes. The available data on variant occurrences in the general population are insufficient to allow any conclusion about variant significance. To our knowledge, no occurrence of c.6835C>A in individuals affected with KMT2C-related conditions and no experimental evidence demonstrating its impact on protein function have been reported. ClinVar contains an entry for this variant (Variation ID: 1302323). Based on the evidence outlined above, the variant was classified as uncertain significance.

Ambry Genetics
Classification: Uncertain significance for Inborn genetic diseases. Last evaluated: 2025-04-03. Review status: criteria provided, single submitter. Criteria: Ambry Variant Classification Scheme 2023. Collection method: clinical testing. Allele origin: germline.

Fulgent Genetics
Classification: Uncertain significance for Kleefstra syndrome 2. Last evaluated: 2022-02-04. Review status: criteria provided, single submitter. Criteria: ACMG Guidelines, 2015. Collection method: clinical testing. Allele origin: unknown.

GeneDx
Classification: Uncertain significance. Last evaluated: 2019-06-04. Review status: criteria provided, single submitter. Criteria: GeneDx Variant Classification Process June 2021. Collection method: clinical testing. Allele origin: germline. Affected: yes.
Comment: In silico analysis, which includes protein predictors and evolutionary conservation, supports a deleterious effect; Has not been previously published as pathogenic or benign to our knowledge

NM_170606.3(KMT2C):c.6835C>A (p.Pro2279Thr)

Gene: KMT2C (lysine methyltransferase 2C; minus strand). Cytogenetic location: 7q36.1.
Variant type: single nucleotide variant.
Coding change: c.6835C>A on transcript NM_170606.3 (MANE Select); coding-DNA position 6835, C replaced by A.
Protein change: p.Pro2279Thr; replaces proline 2279 with threonine.
Molecular consequence: missense variant.
Genome position (GRCh38, 1-based): chr7:152,181,025, G>T on the plus strand (C>A on the coding strand, the complement: KMT2C is on the minus strand). VCF-style: chr7-152181025-G-T. GRCh37 (hg19) VCF-style: chr7-151878110-G-T.
Other names: short protein forms P2279T.
Identifiers: ClinVar variation 1302323 (VCV001302323.5), dbSNP rs775809939, ClinGen allele CA4580005.
Genomic context (GRCh38, chr7:152,181,025, plus strand): 5'-AGGGATCACGGGCAGCAGATGGGGAAACACGGCTAAATGTGTCTGAAAGACCAGGTCCAG[G>T]GGGCCTAGGTGTCTGGGAACATGTATCAGGTGGCCTTACCAACGGGCCAGGTAAAGCTGG-3'
Protein context (NP_733751.2, residues 2269-2289): PDTCSQTPRP[Pro2279Thr]GPGLSDTFSR